The following is an entry in ClinVar:

NM_001164508.2(NEB):c.11288A>G (p.Asp3763Gly)

Gene: NEB (nebulin; minus strand). Cytogenetic location: 2q23.3.
Variant type: single nucleotide variant.
Coding change: c.11288A>G on transcript NM_001164508.2 (MANE Select); coding-DNA position 11288, A replaced by G.
Protein change: p.Asp3763Gly; replaces aspartic acid 3763 with glycine.
Molecular consequence: missense variant.
Genome position (GRCh38, 1-based): chr2:151,616,003, T>C on the plus strand (A>G on the coding strand, the complement: NEB is on the minus strand). VCF-style: chr2-151616003-T-C. GRCh37 (hg19) VCF-style: chr2-152472517-T-C.
Other names: c.11288A>G, p.Asp3763Gly (NM_001164507.2, NM_001271208.2); c.10559A>G, p.Asp3520Gly (NM_004543.5); short protein forms D3520G, D3763G.
Identifiers: ClinVar variation 2041432 (VCV002041432.1), dbSNP rs2552230634, ClinGen allele CA348783603.

ClinVar aggregate classification (germline): Uncertain significance (1 of 4 stars; one submission).

Conditions:
Nemaline myopathy 2 (NEM2). Also called: Nemaline myopathy 2, autosomal recessive. Identifiers: MedGen C1850569, MONDO:0009725, OMIM 256030.

Submission:

Labcorp Genetics (formerly Invitae), Labcorp
Classification: Uncertain significance for Nemaline myopathy 2. Last evaluated: 2022-03-24. Review status: criteria provided, single submitter. Criteria: Invitae Variant Classification Sherloc (09022015). Collection method: clinical testing. Allele origin: germline.
Comment: This sequence change replaces aspartic acid, which is acidic and polar, with glycine, which is neutral and non-polar, at codon 3763 of the NEB protein (p.Asp3763Gly). This variant is not present in population databases (gnomAD no frequency). This variant has not been reported in the literature in individuals affected with NEB-related conditions. Algorithms developed to predict the effect of missense changes on protein structure and function are either unavailable or do not agree on the potential impact of this missense change (SIFT: "Deleterious"; PolyPhen-2: "Not Available"; Align-GVGD: "Class C0"). In summary, the available evidence is currently insufficient to determine the role of this variant in disease. Therefore, it has been classified as a Variant of Uncertain Significance.